The following is an entry in ClinVar:

ClinVar aggregate classification (germline): Uncertain significance (1 of 4 stars; one submission).

gnomAD v4.1: 6 of 1,614,190 alleles (0.00037%); highest among the groups gnomAD compares: African/African-American, 0.0067%; no homozygotes.

Submission:

Labcorp Genetics (formerly Invitae), Labcorp
Classification: Uncertain significance. Last evaluated: 2025-06-12. Review status: criteria provided, single submitter. Criteria: Invitae Variant Classification Sherloc (09022015). Collection method: clinical testing. Allele origin: germline.
Comment: This sequence change replaces leucine, which is neutral and non-polar, with phenylalanine, which is neutral and non-polar, at codon 320 of the MYCN protein (p.Leu320Phe). This variant is present in population databases (no rsID available, gnomAD 0.004%). This variant has not been reported in the literature in individuals affected with MYCN-related conditions. ClinVar contains an entry for this variant (Variation ID: 3711051). Invitae Evidence Modeling of protein sequence and biophysical properties (such as structural, functional, and spatial information, amino acid conservation, physicochemical variation, residue mobility, and thermodynamic stability) has been performed for this missense variant. However, the output from this modeling did not meet the statistical confidence thresholds required to predict the impact of this variant on MYCN protein function. In summary, the available evidence is currently insufficient to determine the role of this variant in disease. Therefore, it has been classified as a Variant of Uncertain Significance.

NM_005378.6(MYCN):c.958C>T (p.Leu320Phe)

Gene: MYCN (MYCN proto-oncogene, bHLH transcription factor; plus strand). Cytogenetic location: 2p24.3.
Variant type: single nucleotide variant.
Coding change: c.958C>T on transcript NM_005378.6 (MANE Select); coding-DNA position 958, C replaced by T.
Protein change: p.Leu320Phe; replaces leucine 320 with phenylalanine.
Molecular consequence: missense variant. On other transcripts: 3 prime UTR variant (1).
Genome position (GRCh38, 1-based): chr2:15,945,660, C>T. VCF-style: chr2-15945660-C-T. GRCh37 (hg19) VCF-style: chr2-16085782-C-T.
Other names: c.958C>T, p.Leu320Phe (NM_001293228.2); c.325C>T, p.Leu109Phe (NM_001293231.2); c.*893C>T (NM_001293233.2); short protein forms L109F, L320F.
Identifiers: ClinVar variation 3711051 (VCV003711051.2).